The following is an entry in ClinVar:

ClinVar aggregate classification (germline): Benign (0 of 4 stars; one submission).

Conditions:
DAAM1-related disorder. Also called: DAAM1-related condition.

Allele frequency attached by ClinVar (database versions not stated): 1000 Genomes Project 30x 0.02780; 1000 Genomes Project 0.02855; TOPMed 0.05982; gnomAD 0.06500; ESP Exome Variant Server 0.06766; ExAC 0.07263.
gnomAD v4.1: 130,425 of 1,591,594 alleles (8.2%); highest among the groups gnomAD compares: Non-Finnish European, 9.5%; 5,991 homozygotes.

Submission:

PreventionGenetics, part of Exact Sciences
Classification: Benign for DAAM1-related condition. Last evaluated: 2019-10-30. Review status: no assertion criteria provided. Collection method: clinical testing. Allele origin: germline.
Comment: This variant is classified as benign based on ACMG/AMP sequence variant interpretation guidelines (Richards et al. 2015 PMID: 25741868, with internal and published modifications).

NM_001270520.2(DAAM1):c.1373-6G>A

Gene: DAAM1 (dishevelled associated activator of morphogenesis 1; plus strand). Cytogenetic location: 14q23.1.
Variant type: single nucleotide variant.
Coding change: c.1373-6G>A on transcript NM_001270520.2 (MANE Select); 6 bases into the intron before coding-DNA position 1373, G replaced by A.
Molecular consequence: intron variant.
Genome position (GRCh38, 1-based): chr14:59,330,495, G>A. VCF-style: chr14-59330495-G-A. GRCh37 (hg19) VCF-style: chr14-59797213-G-A.
Other names: c.1373-6G>A (NM_014992.2).
Identifiers: ClinVar variation 3057133 (VCV003057133.2), dbSNP rs41285510, ClinGen allele CA7207507.